The following is an entry in ClinVar:

ClinVar aggregate classification (germline): Likely benign. Review status: criteria provided, single submitter (1 of 4 stars). 2 submissions from 2 submitters: Likely benign (1). 1 of the submissions does not count toward it. Last evaluated 2022-04-09.

Conditions:
Hereditary hemochromatosis (HFE). Identifiers: MedGen C0392514, MONDO:0006507. Disease mechanism: loss of function.
HFE-related disorder. Also called: HFE-related condition.

Allele frequency attached by ClinVar (database versions not stated): ExAC 0.00002; gnomAD exomes 0.00002 and 0.00003.
gnomAD v4.1: 11 of 1,614,008 alleles (0.00068%); highest among the groups gnomAD compares: Admixed American, 0.015%; no homozygotes.

Submissions (2):

Labcorp Genetics (formerly Invitae), Labcorp
Classification: Likely benign for Hereditary hemochromatosis. Last evaluated: 2022-04-09. Review status: criteria provided, single submitter. Criteria: Invitae Variant Classification Sherloc (09022015). Collection method: clinical testing. Allele origin: germline.

PreventionGenetics, part of Exact Sciences
Classification: Likely benign for HFE-related condition. Last evaluated: 2021-10-26. Review status: no assertion criteria provided. Collection method: clinical testing. Allele origin: germline. Not counted in ClinVar's aggregate classification.
Comment: This variant is classified as likely benign based on ACMG/AMP sequence variant interpretation guidelines (Richards et al. 2015 PMID: 25741868, with internal and published modifications).

NM_000410.4(HFE):c.528C>G (p.Ala176=)

Gene: HFE (homeostatic iron regulator; plus strand). Cytogenetic location: 6p22.2.
Variant type: single nucleotide variant.
Coding change: c.528C>G on transcript NM_000410.4 (MANE Select); coding-DNA position 528, C replaced by G.
Protein change: p.Ala176=; no amino-acid change (alanine 176 retained).
Molecular consequence: synonymous variant. On other transcripts: intron variant (4).
Genome position (GRCh38, 1-based): chr6:26,091,501, C>G. VCF-style: chr6-26091501-C-G. GRCh37 (hg19) VCF-style: chr6-26091729-C-G.
Other names: c.528C>G, p.Ala176= (NM_001300749.3, NM_001384164.1, NM_001406751.1 and 1 more transcripts); c.264C>G, p.Ala88= (NM_001406752.1, NM_139007.3, NM_139008.3); c.459C>G, p.Ala153= (NM_139009.3); c.340+397C>G (NM_139004.3, NM_139003.3); c.77-1184C>G (NM_139010.3); c.77-1618C>G (NM_139011.3).
Identifiers: ClinVar variation 1626280 (VCV001626280.11), dbSNP rs779438836, ClinGen allele CA3666668.
Genomic context (GRCh38, chr6:26,091,501, plus strand): 5'-AGCAGCAGAACCCAGGGCCTGGCCCACCAAGCTGGAGTGGGAAAGGCACAAGATTCGGGC[C>G]AGGCAGAACAGGGCCTACCTGGAGAGGGACTGCCCTGCACAGCTGCAGCAGTTGCTGGAG-3'
Protein context (NP_000401.1, residues 166-186): KLEWERHKIR[Ala176=]RQNRAYLERD